The following is an entry in ClinVar:

NM_000540.3(RYR1):c.6349G>A (p.Val2117Met)

Gene: RYR1 (ryanodine receptor 1; plus strand). Cytogenetic location: 19q13.2.
Variant type: single nucleotide variant.
Coding change: c.6349G>A on transcript NM_000540.3 (MANE Select); coding-DNA position 6349, G replaced by A.
Protein change: p.Val2117Met; replaces valine 2117 with methionine.
Molecular consequence: missense variant.
Genome position (GRCh38, 1-based): chr19:38,494,426, G>A. VCF-style: chr19-38494426-G-A. GRCh37 (hg19) VCF-style: chr19-38985066-G-A.
Other names: c.6349G>A, p.Val2117Met (NM_001042723.2); short protein forms V2117M.
Identifiers: ClinVar variation 4998755 (VCV004998755.1).
Genomic context (GRCh38, chr19:38,494,426, plus strand): 5'-CTGGTGTCCCACATGGTGGTGCGCTGGGCCCAAGAGGACTTCGTGCAGAGCCCCGAGCTG[G>A]TGCGGGCCATGTTCAGCCTCCTGCACCGGCAGTACGACGGGCTGGGTGAGCTGCTGCGTG-3'
Protein context (NP_000531.2, residues 2107-2127): QEDFVQSPEL[Val2117Met]RAMFSLLHRQ

ClinVar aggregate classification (germline): Uncertain significance (1 of 4 stars; one submission).

Conditions:
RYR1-related disorder. Also called: RYR1-related disorders; RYR1-related condition. Identifiers: MedGen CN239331.

Submission:

PreventionGenetics, part of Exact Sciences
Classification: Uncertain significance for RYR1-related condition. Last evaluated: 2025-06-11. Review status: criteria provided, single submitter. Criteria: ACMG Guidelines, 2015. Collection method: clinical testing. Allele origin: germline.
Comment: The RYR1 c.6349G>A variant is predicted to result in the amino acid substitution p.Val2117Met. To our knowledge, this variant has not been reported in the literature or in a large population database (gnomAD), indicating this variant is rare. An alternate amino acid change at this position (p.Val2117Leu) was previously reported in individuals with malignant hyperthermia or suspected myopathy (Tammaro et al. 2003. PubMed ID: 12709367; supplementary data, Dosi et al. 2023. PubMed ID: 36833224). At this time, the clinical significance of this variant is uncertain due to the absence of conclusive functional and genetic evidence.